The following is an entry in ClinVar:

ClinVar aggregate classification (germline): Uncertain significance (1 of 4 stars; one submission).

Conditions:
Familial Mediterranean fever (FMF). Also called: POLYSEROSITIS, FAMILIAL PAROXYSMAL; POLYSEROSITIS, RECURRENT; Periodic peritonitis; Benign paroxysmal peritonitis. Identifiers: Orphanet 342, MedGen C0031069, MONDO:0018088, OMIM 249100. Disease mechanism: gain of function.

Submission:

Labcorp Genetics (formerly Invitae), Labcorp
Classification: Uncertain significance for Familial Mediterranean fever. Last evaluated: 2020-11-23. Review status: criteria provided, single submitter. Criteria: Invitae Variant Classification Sherloc (09022015). Collection method: clinical testing. Allele origin: germline.
Comment: This sequence change replaces glutamic acid with lysine at codon 148 of the MEFV protein (p.Glu148Lys). The glutamic acid residue is moderately conserved and there is a small physicochemical difference between glutamic acid and lysine. This variant is not present in population databases (ExAC no frequency). This variant has not been reported in the literature in individuals with MEFV-related conditions. Algorithms developed to predict the effect of missense changes on protein structure and function are either unavailable or do not agree on the potential impact of this missense change (SIFT: "Deleterious"; PolyPhen-2: "Possibly Damaging"; Align-GVGD: "Class C0"). In summary, the available evidence is currently insufficient to determine the role of this variant in disease. Therefore, it has been classified as a Variant of Uncertain Significance.

NM_000243.3(MEFV):c.442G>A (p.Glu148Lys)

Gene: MEFV (MEFV innate immunity regulator, pyrin; minus strand). Cytogenetic location: 16p13.3.
Variant type: single nucleotide variant.
Coding change: c.442G>A on transcript NM_000243.3 (MANE Select); coding-DNA position 442, G replaced by A.
Protein change: p.Glu148Lys; replaces glutamic acid 148 with lysine.
Molecular consequence: missense variant. On other transcripts: intron variant (1).
Genome position (GRCh38, 1-based): chr16:3,254,626, C>T on the plus strand (G>A on the coding strand, the complement: MEFV is on the minus strand). VCF-style: chr16-3254626-C-T. GRCh37 (hg19) VCF-style: chr16-3304626-C-T.
Other names: c.277+1685G>A (NM_001198536.2); short protein forms E148K.
Identifiers: ClinVar variation 1487920 (VCV001487920.8), dbSNP rs3743930, ClinGen allele CA394481486.